The following is an entry in ClinVar:

ClinVar aggregate classification (germline): Uncertain significance (1 of 4 stars; one submission).

gnomAD v4.1: 1 of 1,614,094 alleles (0.000062%); highest among the groups gnomAD compares: Non-Finnish European, 0.000085%; no homozygotes.

Submission:

Labcorp Genetics (formerly Invitae), Labcorp
Classification: Uncertain significance. Last evaluated: 2022-11-22. Review status: criteria provided, single submitter. Criteria: Invitae Variant Classification Sherloc (09022015). Collection method: clinical testing. Allele origin: germline.
Comment: Advanced modeling of protein sequence and biophysical properties (such as structural, functional, and spatial information, amino acid conservation, physicochemical variation, residue mobility, and thermodynamic stability) performed at Invitae indicates that this missense variant is not expected to disrupt MCPH1 protein function. ClinVar contains an entry for this variant (Variation ID: 1383041). This variant has not been reported in the literature in individuals affected with MCPH1-related conditions. This variant is not present in population databases (gnomAD no frequency). This sequence change replaces serine, which is neutral and polar, with proline, which is neutral and non-polar, at codon 623 of the MCPH1 protein (p.Ser623Pro). In summary, the available evidence is currently insufficient to determine the role of this variant in disease. Therefore, it has been classified as a Variant of Uncertain Significance.

NM_024596.5(MCPH1):c.1867T>C (p.Ser623Pro)

Gene: MCPH1 (microcephalin 1; plus strand). Cytogenetic location: 8p23.1.
Variant type: single nucleotide variant.
Coding change: c.1867T>C on transcript NM_024596.5 (MANE Select); coding-DNA position 1867, T replaced by C.
Protein change: p.Ser623Pro; replaces serine 623 with proline.
Molecular consequence: missense variant.
Genome position (GRCh38, 1-based): chr8:6,455,184, T>C. VCF-style: chr8-6455184-T-C. GRCh37 (hg19) VCF-style: chr8-6312705-T-C.
Other names: c.1867T>C, p.Ser623Pro (NM_001322042.2, NM_001363979.1, NM_001363980.2); short protein forms S623P.
Identifiers: ClinVar variation 1383041 (VCV001383041.6), dbSNP rs2129556799, ClinGen allele CA370223381.